The following is an entry in ClinVar:

NM_000890.5(KCNJ5):c.*779G>T

Gene: KCNJ5 (potassium inwardly rectifying channel subfamily J member 5; plus strand). Cytogenetic location: 11q24.3.
Variant type: single nucleotide variant.
Coding change: c.*779G>T on transcript NM_000890.5 (MANE Select); 779 bases downstream of the stop codon, G replaced by T.
Molecular consequence: 3 prime UTR variant.
Genome position (GRCh38, 1-based): chr11:128,917,510, G>T. VCF-style: chr11-128917510-G-T. GRCh37 (hg19) VCF-style: chr11-128787405-G-T.
Other names: c.*779G>T (LRG_333t1, NM_001354169.2).
Identifiers: ClinVar variation 303648 (VCV000303648.9), dbSNP rs4373934, ClinGen allele CA10630419.

ClinVar aggregate classification (germline): Benign. Review status: criteria provided, multiple submitters, no conflicts (2 of 4 stars). 3 submissions from 3 submitters: Benign (3). Last evaluated 2021-05-13.

Conditions:
Familial hyperaldosteronism type III. Also called: FH III; Familial hyperaldosteronism type 3. Identifiers: Orphanet 251274, MedGen C3838758, MONDO:0013359, OMIM 613677.

Allele frequency attached by ClinVar (database versions not stated): 1000 Genomes Project 0.15595; 1000 Genomes Project 30x 0.15506; gnomAD 0.19365 and 0.19421; gnomAD exomes 0.16102; TOPMed 0.18893.
gnomAD v4.1: 29,686 of 152,490 alleles (19%); highest among the groups gnomAD compares: Middle Eastern, 30%; 3,334 homozygotes.

Submissions (3):

GeneDx
Classification: Benign. Last evaluated: 2021-05-13. Review status: criteria provided, single submitter. Criteria: GeneDx Variant Classification Process June 2021. Collection method: clinical testing. Allele origin: germline. Affected: yes.

Illumina Laboratory Services, Illumina
Classification: Benign for Familial hyperaldosteronism type III. Last evaluated: 2018-01-13. Review status: criteria provided, single submitter. Criteria: ICSL Variant Classification Criteria 13 December 2019. Collection method: clinical testing. Allele origin: germline.
Comment: This variant was observed in the ICSL laboratory as part of a predisposition screen in an ostensibly healthy population. It had not been previously curated by ICSL or reported in the Human Gene Mutation Database (HGMD: prior to June 1st, 2018), and was therefore a candidate for classification through an automated scoring system. Utilizing variant allele frequency, disease prevalence and penetrance estimates, and inheritance mode, an automated score was calculated to assess if this variant is too frequent to cause the disease. Based on the score and internal cut-off values, a variant classified as benign is not then subjected to further curation. The score for this variant resulted in a classification of benign for this disease.

Breakthrough Genomics
Classification: Benign. Review status: criteria provided, single submitter. Criteria: ACMG Guidelines, 2015. Collection method: not provided. Allele origin: germline. Inheritance: Autosomal dominant inheritance. Affected: yes.